The following is an entry in ClinVar:

NM_024675.4(PALB2):c.1543A>T (p.Lys515Ter)

Gene: PALB2 (partner and localizer of BRCA2; minus strand). Cytogenetic location: 16p12.2.
Variant type: single nucleotide variant.
Coding change: c.1543A>T on transcript NM_024675.4 (MANE Select); coding-DNA position 1543, A replaced by T.
Protein change: p.Lys515Ter; replaces lysine 515 with a stop codon.
Molecular consequence: nonsense. On other transcripts: intron variant (3).
Genome position (GRCh38, 1-based): chr16:23,635,003, T>A on the plus strand (A>T on the coding strand, the complement: PALB2 is on the minus strand). VCF-style: chr16-23635003-T-A. GRCh37 (hg19) VCF-style: chr16-23646324-T-A.
Other names: c.1483A>T, p.Lys495Ter (NM_001407296.1); c.1543A>T, p.Lys515Ter (NM_001407297.1, NM_001407298.1, NM_001407299.1 and 3 more transcripts); c.658A>T, p.Lys220Ter (NM_001407304.1, NM_001407305.1, NM_001407306.1 and 5 more transcripts); c.49-5728A>T (NM_001407314.1); c.-104-4534A>T (NM_001407313.1, NM_001407312.1); short protein forms K220*, K495*, K515*.
Identifiers: ClinVar variation 2578760 (VCV002578760.28), dbSNP rs1188755325, ClinGen allele CA395130869.

ClinVar aggregate classification (germline): Pathogenic. Review status: criteria provided, multiple submitters, no conflicts (2 of 4 stars). 4 submissions from 4 submitters: Pathogenic (4). Last evaluated 2025-09-18.

Conditions:
Familial cancer of breast. Also called: BREAST CANCER, FAMILIAL; hereditary breast carcinoma; Hereditary breast cancer. Identifiers: Orphanet 227535, MedGen C0346153, MONDO:0016419, OMIM 114480. Disease mechanism: loss of function.
Hereditary cancer-predisposing syndrome. Also called: Neoplastic Syndromes, Hereditary; Tumor predisposition; Hereditary Cancer Syndrome; Hereditary neoplastic syndrome. Identifiers: Orphanet 140162, MedGen C0027672, MeSH D009386, MONDO:0015356.

Submissions (4):

Labcorp Genetics (formerly Invitae), Labcorp
Classification: Pathogenic for Familial cancer of breast. Last evaluated: 2025-09-18. Review status: criteria provided, single submitter. Criteria: Invitae Variant Classification Sherloc (09022015). Collection method: clinical testing. Allele origin: germline.
Comment: This sequence change creates a premature translational stop signal (p.Lys515*) in the PALB2 gene. It is expected to result in an absent or disrupted protein product. Loss-of-function variants in PALB2 are known to be pathogenic (PMID: 17200668, 17200671, 17200672, 24136930, 25099575). This variant is not present in population databases (gnomAD no frequency). This premature translational stop signal has been observed in individual(s) with breast cancer (PMID: 33811135). ClinVar contains an entry for this variant (Variation ID: 2578760). For these reasons, this variant has been classified as Pathogenic.

Myriad Genetics, Inc.
Classification: Pathogenic for Familial cancer of breast. Last evaluated: 2023-09-11. Review status: criteria provided, single submitter. Criteria: Myriad Autosomal Dominant, Autosomal Recessive and X-Linked Classification Criteria (2023). Collection method: clinical testing. Allele origin: unknown.
Comment: This variant is considered pathogenic. This variant creates a termination codon and is predicted to result in premature protein truncation.

CeGaT Center for Human Genetics Tuebingen
Classification: Pathogenic. Last evaluated: 2023-08-01. Review status: criteria provided, single submitter. Criteria: CeGaT Center For Human Genetics Tuebingen Variant Classification Criteria Version 2. Collection method: clinical testing. Allele origin: germline. Affected: yes. Observed: 1 variant allele.
Comment: PALB2: PVS1, PM2

Color Diagnostics, LLC DBA Color Health
Classification: Pathogenic for Hereditary cancer-predisposing syndrome. Last evaluated: 2023-03-29. Review status: criteria provided, single submitter. Criteria: ACMG Guidelines, 2015. Collection method: clinical testing. Allele origin: germline.
Comment: This variant changes 1 nucleotide in exon 4 of the PALB2 gene, creating a premature translation stop signal. This variant is expected to result in an absent or non-functional protein product. This variant has been reported in two breast cancer case-control studies in 1/60466 cases and 1/7840 cases and absent in healthy controls. (PMID: 33471991, 33811135; Leiden Open Variation Database DB-ID PALB2_011008). This variant has not been identified in the general population by the Genome Aggregation Database (gnomAD). Loss of PALB2 function is a known mechanism of disease. Based on the available evidence, this variant is classified as Pathogenic.

Literature cited by the submitters: PubMed 17200668 (cited by Labcorp Genetics (formerly Invitae), Labcorp); PubMed 17200671 (cited by Labcorp Genetics (formerly Invitae), Labcorp); PubMed 17200672 (cited by Labcorp Genetics (formerly Invitae), Labcorp); PubMed 24136930 (cited by Labcorp Genetics (formerly Invitae), Labcorp); PubMed 25099575 (cited by Labcorp Genetics (formerly Invitae), Labcorp); PubMed 33811135 (cited by Labcorp Genetics (formerly Invitae), Labcorp and Color Diagnostics, LLC DBA Color Health); PubMed 33471991 (cited by Color Diagnostics, LLC DBA Color Health).